The following is an entry in ClinVar:

NM_015509.4(NECAP1):c.539G>A (p.Arg180Lys)

Gene: NECAP1 (NECAP endocytosis associated 1; plus strand). Cytogenetic location: 12p13.31.
Variant type: single nucleotide variant.
Coding change: c.539G>A on transcript NM_015509.4 (MANE Select); coding-DNA position 539, G replaced by A.
Protein change: p.Arg180Lys; replaces arginine 180 with lysine.
Molecular consequence: missense variant. On other transcripts: non-coding transcript variant (1).
Genome position (GRCh38, 1-based): chr12:8,092,918, G>A. VCF-style: chr12-8092918-G-A. GRCh37 (hg19) VCF-style: chr12-8245514-G-A.
Other names: short protein forms R180K.
Identifiers: ClinVar variation 1352102 (VCV001352102.6), dbSNP rs934424311, ClinGen allele CA232563857.
Genomic context (GRCh38, chr12:8,092,918, plus strand): 5'-TTTTTCTTTTGTAGAACATTACAAACAAGAAAGGAGGTGCTTCTAAGCCCAGGACTGCAA[G>A]GGGTGGGGGTCTGAGCTTACTCCCACCCCCGCCAGGAGGCAAAGTCACTATTCCCCCACC-3'
Protein context (NP_056324.2, residues 170-190): KGGASKPRTA[Arg180Lys]GGGLSLLPPP

ClinVar aggregate classification (germline): Uncertain significance (1 of 4 stars; one submission).

Conditions:
Developmental and epileptic encephalopathy, 21 (DEE21). Also called: Early infantile epileptic encephalopathy 21. Identifiers: Orphanet 442835, MedGen C4014430, MONDO:0014360, OMIM 615833.

Allele frequency attached by ClinVar (database versions not stated): gnomAD exomes below 0.00001 and 0.00001; TOPMed 0.00001.
gnomAD v4.1: 9 of 1,586,964 alleles (0.00057%); highest among the groups gnomAD compares: Non-Finnish European, 0.00068%; no homozygotes.

Submission:

Labcorp Genetics (formerly Invitae), Labcorp
Classification: Uncertain significance for Developmental and epileptic encephalopathy, 21. Last evaluated: 2024-10-24. Review status: criteria provided, single submitter. Criteria: Invitae Variant Classification Sherloc (09022015). Collection method: clinical testing. Allele origin: germline.
Comment: This sequence change replaces arginine, which is basic and polar, with lysine, which is basic and polar, at codon 180 of the NECAP1 protein (p.Arg180Lys). This variant is present in population databases (no rsID available, gnomAD 0.003%). This variant has not been reported in the literature in individuals affected with NECAP1-related conditions. ClinVar contains an entry for this variant (Variation ID: 1352102). An algorithm developed to predict the effect of missense changes on protein structure and function outputs the following: PolyPhen-2: "Benign". The lysine amino acid residue is found in multiple mammalian species, which suggests that this missense change does not adversely affect protein function. In summary, the available evidence is currently insufficient to determine the role of this variant in disease. Therefore, it has been classified as a Variant of Uncertain Significance.